The following is an entry in ClinVar:

ClinVar aggregate classification (germline): Likely benign (0 of 4 stars; one submission).

Conditions:
F8-related disorder. Also called: F8-related condition.

Allele frequency attached by ClinVar (database versions not stated): gnomAD exomes below 0.00001; ExAC 0.00001.
gnomAD v4.1: 1 of 1,209,535 alleles (0.000083%); no homozygotes.

Submission:

PreventionGenetics, part of Exact Sciences
Classification: Likely benign for F8-related condition. Last evaluated: 2021-03-25. Review status: no assertion criteria provided. Collection method: clinical testing. Allele origin: germline.
Comment: This variant is classified as likely benign based on ACMG/AMP sequence variant interpretation guidelines (Richards et al. 2015 PMID: 25741868, with internal and published modifications).

NM_000132.4(F8):c.5301C>T (p.Tyr1767=)

Gene: F8 (coagulation factor VIII; minus strand). Cytogenetic location: Xq28.
Variant type: single nucleotide variant.
Coding change: c.5301C>T on transcript NM_000132.4 (MANE Select); coding-DNA position 5301, C replaced by T.
Protein change: p.Tyr1767=; no amino-acid change (tyrosine 1767 retained).
Molecular consequence: synonymous variant.
Genome position (GRCh38, 1-based): chrX:154,906,492, G>A on the plus strand (C>T on the coding strand, the complement: F8 is on the minus strand). VCF-style: chrX-154906492-G-A. GRCh37 (hg19) VCF-style: chrX-154134767-G-A.
Identifiers: ClinVar variation 3032164 (VCV003032164.2), dbSNP rs782763245, ClinGen allele CA10568008.